The following is an entry in ClinVar:

NM_006302.3(MOGS):c.329G>A (p.Arg110His)

Gene: MOGS (mannosyl-oligosaccharide glucosidase; minus strand). Cytogenetic location: 2p13.1.
Variant type: single nucleotide variant.
Coding change: c.329G>A on transcript NM_006302.3 (MANE Select); coding-DNA position 329, G replaced by A.
Protein change: p.Arg110His; replaces arginine 110 with histidine.
Molecular consequence: missense variant.
Genome position (GRCh38, 1-based): chr2:74,464,919, C>T on the plus strand (G>A on the coding strand, the complement: MOGS is on the minus strand). VCF-style: chr2-74464919-C-T. GRCh37 (hg19) VCF-style: chr2-74692046-C-T.
Other names: c.11G>A, p.Arg4His (NM_001146158.2); c.329G>A, p.Arg110His (LRG_1226t1); short protein forms R110H, R4H.
Identifiers: ClinVar variation 217735 (VCV000217735.2), dbSNP rs863225089, ClinGen allele CA279401.

ClinVar aggregate classification (germline): Likely pathogenic (0 of 4 stars; one submission).

Conditions:
MOGS-congenital disorder of glycosylation. Also called: CDG 2B; MOGS-CDG; CDG IIb; GLUCOSIDASE I DEFICIENCY. Identifiers: Orphanet 79330, MedGen C1853736, MONDO:0011629, OMIM 606056.

Allele frequency attached by ClinVar (database versions not stated): gnomAD exomes below 0.00001; gnomAD 0.00001; TOPMed 0.00001.
gnomAD v4.1: 2 of 1,604,276 alleles (0.00012%); highest among the groups gnomAD compares: East Asian, 0.0022%; no homozygotes.

Submission:

Undiagnosed Diseases Program Translational Research Laboratory, National Institutes of Health
Classification: Likely pathogenic for MOGS-congenital disorder of glycosylation. Last evaluated: 2015-03-01. Review status: no assertion criteria provided. Collection method: research. Allele origin: paternal. Affected: yes. Observed: 3 variant alleles.
Comment: This variant is one of two paternally inherited SNVs that represent half of a compound heterozygous pair of alleles leading to MOGS-CDG (CDG-IIb) in two affected siblings.

Literature cited by the submitters: PubMed 24716661.